The following is an entry in ClinVar:

ClinVar aggregate classification (germline): Uncertain significance (1 of 4 stars; one submission).

Allele frequency attached by ClinVar (database versions not stated): 1000 Genomes Project 30x 0.00016; gnomAD exomes 0.00001; TOPMed 0.00002; gnomAD 0.00004; 1000 Genomes Project 0.00020.
gnomAD v4.1: 11 of 1,533,508 alleles (0.00072%); highest among the groups gnomAD compares: Middle Eastern, 0.061%; no homozygotes.

Submission:

Women's Health and Genetics/Laboratory Corporation of America, LabCorp
Classification: Uncertain significance. Last evaluated: 2022-04-26. Review status: criteria provided, single submitter. Criteria: LabCorp Variant Classification Summary - May 2015. Collection method: clinical testing. Allele origin: germline.
Comment: Variant summary: SLC12A5 c.74G>A (p.Arg25Gln) results in a conservative amino acid change in the encoded protein sequence. Five of five in-silico tools predict a benign effect of the variant on protein function. The variant allele was found at a frequency of 7.6e-06 in 131716 control chromosomes. The available data on variant occurrences in the general population are insufficient to allow any conclusion about variant significance. To our knowledge, no occurrence of c.74G>A in individuals affected with Developmental And Epileptic Encephalopathy, 34 and no experimental evidence demonstrating its impact on protein function have been reported. No clinical diagnostic laboratories have submitted clinical-significance assessments for this variant to ClinVar after 2014. Based on the evidence outlined above, the variant was classified as uncertain significance.

NM_001134771.2(SLC12A5):c.74G>A (p.Arg25Gln)

Genes: SLC12A5 (solute carrier family 12 member 5; plus strand), SLC12A5-AS1 (SLC12A5 and MMP9 antisense RNA 1; minus strand), LOC130065980 (ATAC-STARR-seq lymphoblastoid silent region 12971; plus strand). Cytogenetic location: 20q13.12.
Variant type: single nucleotide variant.
Coding change: c.74G>A on transcript NM_001134771.2; coding-DNA position 74, G replaced by A.
Protein change: p.Arg25Gln; replaces arginine 25 with glutamine.
Molecular consequence: missense variant. On other transcripts: non-coding transcript variant (1).
Genome position (GRCh38, 1-based): chr20:46,021,839, G>A. VCF-style: chr20-46021839-G-A. GRCh37 (hg19) VCF-style: chr20-44650478-G-A.
Other names: short protein forms R25Q.
Identifiers: ClinVar variation 1683283 (VCV001683283.3), dbSNP rs555710024, ClinGen allele CA315642139.